The following is an entry in ClinVar:

NM_017852.5(NLRP2):c.525G>T (p.Trp175Cys)

Gene: NLRP2 (NLR family pyrin domain containing 2; plus strand). Cytogenetic location: 19q13.42.
Variant type: single nucleotide variant.
Coding change: c.525G>T on transcript NM_017852.5 (MANE Select); coding-DNA position 525, G replaced by T.
Protein change: p.Trp175Cys; replaces tryptophan 175 with cysteine.
Molecular consequence: missense variant. On other transcripts: non-coding transcript variant (1).
Genome position (GRCh38, 1-based): chr19:54,982,223, G>T. VCF-style: chr19-54982223-G-T. GRCh37 (hg19) VCF-style: chr19-55493591-G-T.
Other names: c.459G>T, p.Trp153Cys (NM_001174082.3); c.456G>T, p.Trp152Cys (NM_001174083.2); c.516G>T, p.Trp172Cys (NM_001348003.2); c.525G>T, p.Trp175Cys (NM_001174081.3); short protein forms W152C, W153C, W172C, W175C.
Identifiers: ClinVar variation 5020611 (VCV005020611.1).

ClinVar aggregate classification (germline): Uncertain significance (1 of 4 stars; one submission).

Submission:

Dasa
Classification: Uncertain significance. Last evaluated: 2026-08-05. Review status: criteria provided, single submitter. Criteria: DASA Assertion Criteria. Collection method: clinical testing. Allele origin: germline.
Comment: NM_017852.5(NLRP2):c.525G>T (p.Trp175Cys) is a missense variant that results in the substitution of tryptophan with cysteine. This variant is rare in population databases. The currently available literature and clinical evidence are not sufficient to establish a definitive association between this variant and the reported condition. Therefore, this variant is classified as a variant of uncertain significance.